The following is an entry in ClinVar:

NM_139276.3(STAT3):c.1979T>G (p.Met660Arg)

Gene: STAT3 (signal transducer and activator of transcription 3; minus strand). Cytogenetic location: 17q21.2.
Variant type: single nucleotide variant.
Coding change: c.1979T>G on transcript NM_139276.3 (MANE Select); coding-DNA position 1979, T replaced by G.
Protein change: p.Met660Arg; replaces methionine 660 with arginine.
Molecular consequence: missense variant.
Genome position (GRCh38, 1-based): chr17:42,322,404, A>C on the plus strand (T>G on the coding strand, the complement: STAT3 is on the minus strand). VCF-style: chr17-42322404-A-C. GRCh37 (hg19) VCF-style: chr17-40474422-A-C.
Other names: c.1979T>G, p.Met660Arg (NM_001369512.1, NM_001369513.1, NM_001369514.1 and 9 more transcripts); c.1895T>G, p.Met632Arg (NM_001384984.1); c.1901T>G, p.Met634Arg (NM_001384985.1); c.1994T>G, p.Met665Arg (NM_001384986.1, NM_001384990.1); c.1958T>G, p.Met653Arg (NM_001384987.1); c.1883T>G, p.Met628Arg (NM_001384989.1); c.1952T>G, p.Met651Arg (NM_001384991.1); c.1919T>G, p.Met640Arg (NM_001384992.1); short protein forms M628R, M632R, M634R, M640R, M651R, M653R, M660R, M665R.
Identifiers: ClinVar variation 3759434 (VCV003759434.2).

ClinVar aggregate classification (germline): Likely pathogenic (1 of 4 stars; one submission).

Conditions:
Hyper-IgE recurrent infection syndrome 1, autosomal dominant. Also called: STAT3 Hyper IgE Syndrome; Hyper-IgE recurrent infection syndrome 1; JOB SYNDROME; Job's Syndrome; HYPER-IgE SYNDROME 1, AUTOSOMAL DOMINANT, WITH RECURRENT INFECTIONS. Identifiers: Orphanet 2314, MedGen C2936739, MONDO:0007818, OMIM 147060.
STAT3 gain of function. Identifiers: MedGen C4288261.

Submission:

Labcorp Genetics (formerly Invitae), Labcorp
Classification: Likely pathogenic for STAT3 gain of function; Hyper-IgE recurrent infection syndrome 1, autosomal dominant. Last evaluated: 2024-11-21. Review status: criteria provided, single submitter. Criteria: Invitae Variant Classification Sherloc (09022015). Collection method: clinical testing. Allele origin: germline.
Comment: This sequence change replaces methionine, which is neutral and non-polar, with arginine, which is basic and polar, at codon 660 of the STAT3 protein (p.Met660Arg). This variant is not present in population databases (gnomAD no frequency). This missense change has been observed in individual(s) with hyper IgE syndrome (PMID: 21792878). Invitae Evidence Modeling of protein sequence and biophysical properties (such as structural, functional, and spatial information, amino acid conservation, physicochemical variation, residue mobility, and thermodynamic stability) indicates that this missense variant is expected to disrupt STAT3 protein function with a positive predictive value of 95%. Experimental studies have shown that this missense change affects STAT3 function (PMID: 21792878). This variant disrupts the p.Met660 amino acid residue in STAT3. Other variant(s) that disrupt this residue have been determined to be pathogenic (PMID: 20816194, 28315006). This suggests that this residue is clinically significant, and that variants that disrupt this residue are likely to be disease-causing. In summary, the currently available evidence indicates that the variant is pathogenic, but additional data are needed to prove that conclusively. Therefore, this variant has been classified as Likely Pathogenic.

Literature cited by the submitters: PubMed 21792878; PubMed 20816194; PubMed 28315006.